The following is an entry in ClinVar:

ClinVar aggregate classification (germline): Uncertain significance (1 of 4 stars; one submission).

Conditions:
Emery-Dreifuss muscular dystrophy 4, autosomal dominant (EDMD4). Also called: EMERY-DREIFUSS MUSCULAR DYSTROPHY 4 WITH VARIABLE FEATURES. Identifiers: Orphanet 261, MedGen C2751807, MONDO:0013071, OMIM 612998.
Autosomal recessive ataxia, Beauce type. Also called: SYNE1 Deficiency; Spinocerebellar ataxia, autosomal recessive 8; ATAXIA, RECESSIVE, OF BEAUCE; SYNE1-Related Autosomal Recessive Cerebellar Ataxia. Identifiers: Orphanet 88644, MedGen C1853116, MONDO:0012549, OMIM 610743.

Submission:

Labcorp Genetics (formerly Invitae), Labcorp
Classification: Uncertain significance for Emery-Dreifuss muscular dystrophy 4, autosomal dominant; Autosomal recessive ataxia, Beauce type. Last evaluated: 2022-03-18. Review status: criteria provided, single submitter. Criteria: Invitae Variant Classification Sherloc (09022015). Collection method: clinical testing. Allele origin: germline.
Comment: This sequence change replaces alanine, which is neutral and non-polar, with glycine, which is neutral and non-polar, at codon 2577 of the SYNE1 protein (p.Ala2577Gly). This variant is not present in population databases (gnomAD no frequency). This variant has not been reported in the literature in individuals affected with SYNE1-related conditions. Algorithms developed to predict the effect of missense changes on protein structure and function are either unavailable or do not agree on the potential impact of this missense change (SIFT: "Deleterious"; PolyPhen-2: "Benign"; Align-GVGD: "Class C0"). In summary, the available evidence is currently insufficient to determine the role of this variant in disease. Therefore, it has been classified as a Variant of Uncertain Significance.

NM_182961.4(SYNE1):c.7709C>G (p.Ala2570Gly)

Gene: SYNE1 (spectrin repeat containing nuclear envelope protein 1; minus strand). Cytogenetic location: 6q25.2.
Variant type: single nucleotide variant.
Coding change: c.7709C>G on transcript NM_182961.4 (MANE Select); coding-DNA position 7709, C replaced by G.
Protein change: p.Ala2570Gly; replaces alanine 2570 with glycine.
Molecular consequence: missense variant.
Genome position (GRCh38, 1-based): chr6:152,395,519, G>C on the plus strand (C>G on the coding strand, the complement: SYNE1 is on the minus strand). VCF-style: chr6-152395519-G-C. GRCh37 (hg19) VCF-style: chr6-152716654-G-C.
Other names: c.7730C>G, p.Ala2577Gly (NM_033071.5); short protein forms A2570G, A2577G.
Identifiers: ClinVar variation 2113939 (VCV002113939.4), dbSNP rs2493579795, ClinGen allele CA366111001.
Genomic context (GRCh38, chr6:152,395,519, plus strand): 5'-CCAACTAGTCTAAAACATGGTAAGAGGTAAAGGACCTGTTCCATTTCTGGACCATACCTT[G>C]CAGCCAGCAGTTCTCCCAAAAACATTTCAACTTTATGAACTTCATTTTTCTTCTCAGGAA-3'
Protein context (NP_892006.3, residues 2560-2580): VEMFLGELLA[Ala2570Gly]RESLDKLSQR